The following is an entry in ClinVar:

NM_006929.5(SKIC2):c.2435dup (p.Tyr812Ter)

Gene: SKIC2 (SKI2 subunit of superkiller complex; plus strand). Cytogenetic location: 6p21.33.
Variant type: Duplication.
Coding change: c.2435dup on transcript NM_006929.5 (MANE Select); coding-DNA position 2435, one base duplicated (A; older notation c.2435dupA).
Protein change: p.Tyr812Ter; replaces tyrosine 812 with a stop codon.
Molecular consequence: nonsense.
Genome position (GRCh38, 1-based): chr6:31,967,098, A duplicated. VCF-style (leftmost placement, unchanged base first): chr6-31967097-T-TA. GRCh37 (hg19) VCF-style: chr6-31934874-T-TA.
Other names: short protein forms Y812*.
Identifiers: ClinVar variation 2804768 (VCV002804768.3), dbSNP rs2482977604, ClinGen allele CA2739272883.

ClinVar aggregate classification (germline): Pathogenic (1 of 4 stars; one submission).

Submission:

Labcorp Genetics (formerly Invitae), Labcorp
Classification: Pathogenic. Last evaluated: 2023-01-13. Review status: criteria provided, single submitter. Criteria: Invitae Variant Classification Sherloc (09022015). Collection method: clinical testing. Allele origin: germline.
Comment: This variant is not present in population databases (gnomAD no frequency). For these reasons, this variant has been classified as Pathogenic. This variant has not been reported in the literature in individuals affected with SKIV2L-related conditions. This sequence change creates a premature translational stop signal (p.Tyr812*) in the SKIV2L gene. It is expected to result in an absent or disrupted protein product. Loss-of-function variants in SKIV2L are known to be pathogenic (PMID: 22444670).

Literature cited by the submitters: PubMed 22444670.